The following is an entry in ClinVar:

ClinVar aggregate classification (germline): Likely benign. Review status: criteria provided, multiple submitters, no conflicts (2 of 4 stars). 3 submissions from 3 submitters: Likely benign (3). Last evaluated 2025-12-03.

Conditions:
DNAH9-related disorder. Also called: DNAH9-related condition.

gnomAD v4.1: 83 of 1,609,896 alleles (0.0052%); highest among the groups gnomAD compares: Middle Eastern, 0.016%; no homozygotes.

Submissions (3):

Labcorp Genetics (formerly Invitae), Labcorp
Classification: Likely benign. Last evaluated: 2025-12-03. Review status: criteria provided, single submitter. Criteria: Invitae Variant Classification Sherloc (09022015). Collection method: clinical testing. Allele origin: germline.

PreventionGenetics, part of Exact Sciences
Classification: Likely benign for DNAH9-related condition. Last evaluated: 2024-12-08. Review status: criteria provided, single submitter. Criteria: ACMG Guidelines, 2015. Collection method: clinical testing. Allele origin: germline.
Comment: This variant is classified as likely benign based on ACMG/AMP sequence variant interpretation guidelines (Richards et al. 2015 PMID: 25741868, with internal and published modifications).

Blueprint Genetics
Classification: Likely benign. Last evaluated: 2023-02-20. Review status: criteria provided, single submitter. Criteria: ACMG Guidelines, 2015. Collection method: clinical testing. Allele origin: germline.

NM_001372.4(DNAH9):c.594G>A (p.Ala198=)

Gene: DNAH9 (dynein axonemal heavy chain 9; plus strand). Cytogenetic location: 17p12.
Variant type: single nucleotide variant.
Coding change: c.594G>A on transcript NM_001372.4 (MANE Select); coding-DNA position 594, G replaced by A.
Protein change: p.Ala198=; no amino-acid change (alanine 198 retained).
Molecular consequence: synonymous variant.
Genome position (GRCh38, 1-based): chr17:11,608,305, G>A. VCF-style: chr17-11608305-G-A. GRCh37 (hg19) VCF-style: chr17-11511622-G-A.
Other names: c.594G>A (NM_001372.3).
Identifiers: ClinVar variation 4738592 (VCV004738592.3).